The following is an entry in ClinVar:

ClinVar aggregate classification (germline): Likely benign. Review status: criteria provided, multiple submitters, no conflicts (2 of 4 stars). 2 submissions from 2 submitters: Likely benign (2). Last evaluated 2022-02-25.

Allele frequency attached by ClinVar (database versions not stated): TOPMed below 0.00001; gnomAD 0.00001; gnomAD exomes 0.00001; ExAC 0.00002.
gnomAD v4.1: 5 of 1,601,084 alleles (0.00031%); highest among the groups gnomAD compares: Non-Finnish European, 0.00034%; no homozygotes.

Submissions (2):

Labcorp Genetics (formerly Invitae), Labcorp
Classification: Likely benign. Last evaluated: 2022-02-25. Review status: criteria provided, single submitter. Criteria: Invitae Variant Classification Sherloc (09022015). Collection method: clinical testing. Allele origin: germline.

GeneDx
Classification: Likely benign. Last evaluated: 2016-10-10. Review status: criteria provided, single submitter. Criteria: GeneDx Variant Classification (06012015). Collection method: clinical testing. Allele origin: germline. Affected: yes.
Comment: This variant is considered likely benign or benign based on one or more of the following criteria: it is a conservative change, it occurs at a poorly conserved position in the protein, it is predicted to be benign by multiple in silico algorithms, and/or has population frequency not consistent with disease.

NM_001844.5(COL2A1):c.3621C>T (p.Pro1207=)

Gene: COL2A1 (collagen type II alpha 1 chain; minus strand). Cytogenetic location: 12q13.11.
Variant type: single nucleotide variant.
Coding change: c.3621C>T on transcript NM_001844.5 (MANE Select); coding-DNA position 3621, C replaced by T.
Protein change: p.Pro1207=; no amino-acid change (proline 1207 retained).
Molecular consequence: synonymous variant.
Genome position (GRCh38, 1-based): chr12:47,975,582, G>A on the plus strand (C>T on the coding strand, the complement: COL2A1 is on the minus strand). VCF-style: chr12-47975582-G-A. GRCh37 (hg19) VCF-style: chr12-48369365-G-A.
Other names: c.3414C>T, p.Pro1138= (NM_033150.3).
Identifiers: ClinVar variation 389826 (VCV000389826.7), dbSNP rs749799630, ClinGen allele CA6534680.